The following is an entry in ClinVar:

NM_205861.3(DHDDS):c.74T>G (p.Met25Arg)

Gene: DHDDS (dehydrodolichyl diphosphate synthase subunit; plus strand). Cytogenetic location: 1p36.11.
Variant type: single nucleotide variant.
Coding change: c.74T>G on transcript NM_205861.3 (MANE Select); coding-DNA position 74, T replaced by G.
Protein change: p.Met25Arg; replaces methionine 25 with arginine.
Molecular consequence: missense variant. On other transcripts: 5 prime UTR variant (1).
Genome position (GRCh38, 1-based): chr1:26,438,178, T>G. VCF-style: chr1-26438178-T-G. GRCh37 (hg19) VCF-style: chr1-26764669-T-G.
Other names: c.74T>G (NM_024887.3); c.74T>G, p.Met25Arg (NM_001243564.2, NM_001243565.2, NM_024887.4); c.-229T>G (NM_001319959.2); short protein forms M25R.
Identifiers: ClinVar variation 1446730 (VCV001446730.8), dbSNP rs751817404, ClinGen allele CA705241.

ClinVar aggregate classification (germline): Uncertain significance. Review status: criteria provided, multiple submitters, no conflicts (2 of 4 stars). 3 submissions from 3 submitters: Uncertain significance (3). Last evaluated 2025-03-14.

Conditions:
Inborn genetic diseases. Identifiers: MedGen C0950123, MeSH D030342.
Retinitis pigmentosa 59 (RP59). Identifiers: Orphanet 791, MedGen C3151227, MONDO:0013468, OMIM 613861.

Allele frequency attached by ClinVar (database versions not stated): ExAC 0.00001; TOPMed 0.00002; gnomAD 0.00003.
gnomAD v4.1: 36 of 1,613,756 alleles (0.0022%); highest among the groups gnomAD compares: Non-Finnish European, 0.0028%; no homozygotes.

Submissions (3):

Labcorp Genetics (formerly Invitae), Labcorp
Classification: Uncertain significance for Retinitis pigmentosa 59. Last evaluated: 2025-03-14. Review status: criteria provided, single submitter. Criteria: Invitae Variant Classification Sherloc (09022015). Collection method: clinical testing. Allele origin: germline.
Comment: This sequence change replaces methionine, which is neutral and non-polar, with arginine, which is basic and polar, at codon 25 of the DHDDS protein (p.Met25Arg). This variant is present in population databases (rs751817404, gnomAD 0.002%). This variant has not been reported in the literature in individuals affected with DHDDS-related conditions. ClinVar contains an entry for this variant (Variation ID: 1446730). Invitae Evidence Modeling of protein sequence and biophysical properties (such as structural, functional, and spatial information, amino acid conservation, physicochemical variation, residue mobility, and thermodynamic stability) indicates that this missense variant is not expected to disrupt DHDDS protein function with a negative predictive value of 80%. In summary, the available evidence is currently insufficient to determine the role of this variant in disease. Therefore, it has been classified as a Variant of Uncertain Significance.

Blueprint Genetics
Classification: Uncertain significance. Last evaluated: 2022-07-27. Review status: criteria provided, single submitter. Criteria: ACMG Guidelines, 2015. Collection method: clinical testing. Allele origin: germline.

Ambry Genetics
Classification: Uncertain significance for Inborn genetic diseases. Last evaluated: 2022-06-03. Review status: criteria provided, single submitter. Criteria: Ambry Variant Classification Scheme 2023. Collection method: clinical testing. Allele origin: germline.